The following is an entry in ClinVar:

ClinVar aggregate classification (germline): Uncertain significance (1 of 4 stars; one submission).

Allele frequency attached by ClinVar (database versions not stated): gnomAD exomes 0.00001; TOPMed 0.00001; ExAC 0.00003.
gnomAD v4.1: 14 of 1,581,242 alleles (0.00089%); highest among the groups gnomAD compares: Non-Finnish European, 0.0011%; no homozygotes.

Submission:

Labcorp Genetics (formerly Invitae), Labcorp
Classification: Uncertain significance. Last evaluated: 2022-06-27. Review status: criteria provided, single submitter. Criteria: Invitae Variant Classification Sherloc (09022015). Collection method: clinical testing. Allele origin: germline.
Comment: This sequence change replaces valine with alanine at codon 1208 of the MYO18B protein (p.Val1208Ala). The valine residue is weakly conserved and there is a small physicochemical difference between valine and alanine. The frequency data for this variant in the population databases is considered unreliable, as metrics indicate poor data quality at this position in the gnomAD database. This variant has not been reported in the literature in individuals affected with MYO18B-related conditions. Algorithms developed to predict the effect of missense changes on protein structure and function are either unavailable or do not agree on the potential impact of this missense change (SIFT: "Not Available"; PolyPhen-2: "Benign"; Align-GVGD: "Not Available"). In summary, the available evidence is currently insufficient to determine the role of this variant in disease. Therefore, it has been classified as a Variant of Uncertain Significance.

NM_032608.7(MYO18B):c.3623T>C (p.Val1208Ala)

Gene: MYO18B (myosin XVIIIB; plus strand). Cytogenetic location: 22q12.1.
Variant type: single nucleotide variant.
Coding change: c.3623T>C on transcript NM_032608.7 (MANE Select); coding-DNA position 3623, T replaced by C.
Protein change: p.Val1208Ala; replaces valine 1208 with alanine.
Molecular consequence: missense variant.
Genome position (GRCh38, 1-based): chr22:25,847,500, T>C. VCF-style: chr22-25847500-T-C. GRCh37 (hg19) VCF-style: chr22-26243467-T-C.
Other names: c.3626T>C, p.Val1209Ala (NM_001318245.2); short protein forms V1208A, V1209A.
Identifiers: ClinVar variation 1424463 (VCV001424463.3), dbSNP rs763828840, ClinGen allele CA10160619.